The following is an entry in ClinVar:

NM_030665.4(RAI1):c.4710C>G (p.Pro1570=)

Gene: RAI1 (retinoic acid induced 1; plus strand). Cytogenetic location: 17p11.2.
Variant type: single nucleotide variant.
Coding change: c.4710C>G on transcript NM_030665.4 (MANE Select); coding-DNA position 4710, C replaced by G.
Protein change: p.Pro1570=; no amino-acid change (proline 1570 retained).
Molecular consequence: synonymous variant.
Genome position (GRCh38, 1-based): chr17:17,797,658, C>G. VCF-style: chr17-17797658-C-G. GRCh37 (hg19) VCF-style: chr17-17700972-C-G.
Identifiers: ClinVar variation 3348254 (VCV003348254.1).

ClinVar aggregate classification (germline): Likely benign (0 of 4 stars; one submission).

Conditions:
RAI1-related disorder. Also called: RAI1-related condition.

gnomAD v4.1: 1 of 1,613,876 alleles (0.000062%); highest among the groups gnomAD compares: Non-Finnish European, 0.000085%; no homozygotes.

Submission:

PreventionGenetics, part of Exact Sciences
Classification: Likely benign for RAI1-related condition. Last evaluated: 2024-02-05. Review status: no assertion criteria provided. Collection method: clinical testing. Allele origin: germline.
Comment: This variant is classified as likely benign based on ACMG/AMP sequence variant interpretation guidelines (Richards et al. 2015 PMID: 25741868, with internal and published modifications).